The following is an entry in ClinVar:

NM_001365925.2(NLGN1):c.2333G>T (p.Cys778Phe)

Gene: NLGN1 (neuroligin 1; plus strand). Cytogenetic location: 3q26.31.
Variant type: single nucleotide variant.
Coding change: c.2333G>T on transcript NM_001365925.2 (MANE Select); coding-DNA position 2333, G replaced by T.
Protein change: p.Cys778Phe; replaces cysteine 778 with phenylalanine.
Molecular consequence: missense variant.
Genome position (GRCh38, 1-based): chr3:174,281,104, G>T. VCF-style: chr3-174281104-G-T. GRCh37 (hg19) VCF-style: chr3-173998894-G-T.
Other names: c.2333G>T, p.Cys778Phe (NM_001365923.2, NM_001365924.2, NM_001365926.2 and 2 more transcripts); c.2273G>T, p.Cys758Phe (NM_001365929.2, NM_001365930.2, NM_001365931.2 and 3 more transcripts); c.2246G>T, p.Cys749Phe (NM_001365934.2, NM_001365935.2, NM_001365936.2); short protein forms C749F, C778F, C758F.
Identifiers: ClinVar variation 3665117 (VCV003665117.2).

ClinVar aggregate classification (germline): Uncertain significance (1 of 4 stars; one submission).

Submission:

Labcorp Genetics (formerly Invitae), Labcorp
Classification: Uncertain significance. Last evaluated: 2024-09-15. Review status: criteria provided, single submitter. Criteria: Invitae Variant Classification Sherloc (09022015). Collection method: clinical testing. Allele origin: germline.
Comment: This sequence change replaces cysteine, which is neutral and slightly polar, with phenylalanine, which is neutral and non-polar, at codon 758 of the NLGN1 protein (p.Cys758Phe). This variant is not present in population databases (gnomAD no frequency). This variant has not been reported in the literature in individuals affected with NLGN1-related conditions. Invitae Evidence Modeling of protein sequence and biophysical properties (such as structural, functional, and spatial information, amino acid conservation, physicochemical variation, residue mobility, and thermodynamic stability) indicates that this missense variant is expected to disrupt NLGN1 protein function with a positive predictive value of 80%. In summary, the available evidence is currently insufficient to determine the role of this variant in disease. Therefore, it has been classified as a Variant of Uncertain Significance.